The following is an entry in ClinVar:

NM_018006.5(TRMU):c.-41A>G

Gene: TRMU (tRNA mitochondrial 2-thiouridylase; plus strand). Cytogenetic location: 22q13.31.
Variant type: single nucleotide variant.
Coding change: c.-41A>G on transcript NM_018006.5 (MANE Select); 41 bases upstream of the start codon, A replaced by G.
Molecular consequence: 5 prime UTR variant. On other transcripts: non-coding transcript variant (2).
Genome position (GRCh38, 1-based): chr22:46,335,724, A>G. VCF-style: chr22-46335724-A-G. GRCh37 (hg19) VCF-style: chr22-46731621-A-G.
Other names: c.-276A>G (NM_001282782.2); c.-295A>G (NM_001282783.2, NM_001282784.2); c.-41A>G (NM_001282785.2).
Identifiers: ClinVar variation 4987049 (VCV004987049.1).
Genomic context (GRCh38, chr22:46,335,724, plus strand): 5'-TCCGGCCGGGCCACTAGCGCGGACCCTACGGCCGGGGCGGGACTTCCGGCAAGGCGCGGA[A>G]GCGGCGGTAGCTGCAGCTGGCGAAGTTGGGCGACTGGCGGATGCAGGCCTTGCGGCACGT-3'

ClinVar aggregate classification (germline): Likely benign (1 of 4 stars; one submission).

Conditions:
TRMU-related disorder. Also called: TRMU-related condition.

Submission:

PreventionGenetics, part of Exact Sciences
Classification: Likely benign for TRMU-related condition. Last evaluated: 2026-05-30. Review status: criteria provided, single submitter. Criteria: ACMG Guidelines, 2015. Collection method: clinical testing. Allele origin: germline.
Comment: This variant is classified as likely benign based on ACMG/AMP sequence variant interpretation guidelines (Richards et al. 2015 PMID: 25741868, with internal and published modifications).